The following is an entry in ClinVar:

ClinVar aggregate classification (germline): Uncertain significance (1 of 4 stars; one submission).

Submission:

GeneDx
Classification: Uncertain significance. Last evaluated: 2022-08-30. Review status: criteria provided, single submitter. Criteria: GeneDx Variant Classification Process June 2021. Collection method: clinical testing. Allele origin: germline. Affected: yes.
Comment: Not observed at significant frequency in large population cohorts (gnomAD); In silico analysis supports that this missense variant does not alter protein structure/function; Has not been previously published as pathogenic or benign to our knowledge

NM_016335.6(PRODH):c.850G>A (p.Glu284Lys)

Gene: PRODH (proline dehydrogenase 1; minus strand). Cytogenetic location: 22q11.21.
Variant type: single nucleotide variant.
Coding change: c.850G>A on transcript NM_016335.6 (MANE Select); coding-DNA position 850, G replaced by A.
Protein change: p.Glu284Lys; replaces glutamic acid 284 with lysine.
Molecular consequence: missense variant.
Genome position (GRCh38, 1-based): chr22:18,922,404, C>T on the plus strand (G>A on the coding strand, the complement: PRODH is on the minus strand). VCF-style: chr22-18922404-C-T. GRCh37 (hg19) VCF-style: chr22-18909917-C-T.
Other names: c.526G>A, p.Glu176Lys (NM_001195226.2, NM_001368250.2); short protein forms E176K, E284K.
Identifiers: ClinVar variation 2442461 (VCV002442461.1), dbSNP rs2517453893, ClinGen allele CA410647107.
Genomic context (GRCh38, chr22:18,922,404, plus strand): 5'-CTGCCGTGAACCAGTCCTCAATCTCAGCCCTGGATGCGATGCCCAACTTTGCGACACTTT[C>T]CTTGAGAAGTGAGAAGGCCTGGATCAGCCCCATTCACTCATATTTTATCCTTCCCCCCAC-3'
Protein context (NP_057419.5, residues 274-294): DTKLEVAVLQ[Glu284Lys]SVAKLGIASR